The following is an entry in ClinVar:

NM_005739.4(RASGRP1):c.469G>C (p.Val157Leu)

Gene: RASGRP1 (RAS guanyl releasing protein 1; minus strand). Cytogenetic location: 15q14.
Variant type: single nucleotide variant.
Coding change: c.469G>C on transcript NM_005739.4 (MANE Select); coding-DNA position 469, G replaced by C.
Protein change: p.Val157Leu; replaces valine 157 with leucine.
Molecular consequence: missense variant.
Genome position (GRCh38, 1-based): chr15:38,518,344, C>G on the plus strand (G>C on the coding strand, the complement: RASGRP1 is on the minus strand). VCF-style: chr15-38518344-C-G. GRCh37 (hg19) VCF-style: chr15-38810545-C-G.
Other names: c.469G>C, p.Val157Leu (NM_001128602.2, NM_001306086.2); c.469G>C (NM_005739.3); short protein forms V157L.
Identifiers: ClinVar variation 1485136 (VCV001485136.6), dbSNP rs371219345, ClinGen allele CA7471109.

ClinVar aggregate classification (germline): Uncertain significance. Review status: criteria provided, multiple submitters, no conflicts (2 of 4 stars). 2 submissions from 2 submitters: Uncertain significance (2). Last evaluated 2025-08-06.

Allele frequency attached by ClinVar (database versions not stated): gnomAD 0.00003 and 0.00004; gnomAD exomes 0.00003 and 0.00012; ExAC 0.00006; TOPMed 0.00006; ESP Exome Variant Server 0.00008.

Submissions (2):

Ambry Genetics
Classification: Uncertain significance. Last evaluated: 2025-08-06. Review status: criteria provided, single submitter. Criteria: Ambry Variant Classification Scheme 2023. Collection method: clinical testing. Allele origin: germline.

Labcorp Genetics (formerly Invitae), Labcorp
Classification: Uncertain significance. Last evaluated: 2024-10-28. Review status: criteria provided, single submitter. Criteria: Invitae Variant Classification Sherloc (09022015). Collection method: clinical testing. Allele origin: germline.
Comment: This sequence change replaces valine, which is neutral and non-polar, with leucine, which is neutral and non-polar, at codon 157 of the RASGRP1 protein (p.Val157Leu). This variant is present in population databases (rs371219345, gnomAD 0.007%). This variant has not been reported in the literature in individuals affected with RASGRP1-related conditions. ClinVar contains an entry for this variant (Variation ID: 1485136). Invitae Evidence Modeling of protein sequence and biophysical properties (such as structural, functional, and spatial information, amino acid conservation, physicochemical variation, residue mobility, and thermodynamic stability) indicates that this missense variant is not expected to disrupt RASGRP1 protein function with a negative predictive value of 80%. In summary, the available evidence is currently insufficient to determine the role of this variant in disease. Therefore, it has been classified as a Variant of Uncertain Significance.